The following is an entry in ClinVar:

NM_014363.6(SACS):c.10079del (p.Ser3360fs)

Gene: SACS (sacsin molecular chaperone; minus strand). Cytogenetic location: 13q12.12.
Variant type: Deletion.
Coding change: c.10079del on transcript NM_014363.6 (MANE Select); coding-DNA position 10079, one base deleted (G; older notation c.10079delG).
Protein change: p.Ser3360fs; shifts the reading frame from serine 3360.
Molecular consequence: frameshift variant.
Genome position (GRCh38, 1-based): chr13:23,333,797, C deleted on the plus strand (G on the coding strand, the reverse complement: SACS is on the minus strand). VCF-style (leftmost placement, unchanged base first): chr13-23333796-GC-G. GRCh37 (hg19) VCF-style: chr13-23907935-GC-G.
Other names: c.9638del, p.Ser3213fs (NM_001278055.2); short protein forms S3360fs, S3213fs.
Identifiers: ClinVar variation 2127522 (VCV002127522.4), dbSNP rs2542190614, ClinGen allele CA2580086842.

ClinVar aggregate classification (germline): Pathogenic (1 of 4 stars; one submission).

Conditions:
Spastic paraplegia. Identifiers: MedGen C0037772, HP:0001258.

Submission:

Labcorp Genetics (formerly Invitae), Labcorp
Classification: Pathogenic for Spastic paraplegia. Last evaluated: 2022-04-18. Review status: criteria provided, single submitter. Criteria: Invitae Variant Classification Sherloc (09022015). Collection method: clinical testing. Allele origin: germline.
Comment: This variant disrupts a region of the SACS protein in which other variant(s) (p.Asn4549Asp) have been determined to be pathogenic (PMID: 15156359, 21507954). This suggests that this is a clinically significant region of the protein, and that variants that disrupt it are likely to be disease-causing. This variant has not been reported in the literature in individuals affected with SACS-related conditions. This variant is not present in population databases (gnomAD no frequency). This sequence change creates a premature translational stop signal (p.Ser3360Thrfs*3) in the SACS gene. While this is not anticipated to result in nonsense mediated decay, it is expected to disrupt the last 1220 amino acid(s) of the SACS protein. For these reasons, this variant has been classified as Pathogenic.

Literature cited by the submitters: PubMed 15156359; PubMed 21507954.